The following is an entry in ClinVar:

NM_016277.5(RAB23):c.242-31ATTG[6]

Gene: RAB23 (RAB23, member RAS oncogene family; minus strand). Cytogenetic location: 6p12.1.
Variant type: Microsatellite.
Coding change: c.242-31ATTG[6] on transcript NM_016277.5 (MANE Select); six copies in a row of the 4-base unit ATTG starting at c.242-31; the reference has five copies in a row; one copy, 4 bases duplicated.
Molecular consequence: intron variant.
Genome position (GRCh38, 1-based): chr6:57,196,618-57,196,621, CAAT duplicated on the plus strand (ATTG on the coding strand, the reverse complement: RAB23 is on the minus strand); duplicating any 4 consecutive bases within chr6:57,196,618-57,196,640 gives the same sequence; the position shown is the placement nearest the transcript's 3' end. VCF-style (leftmost placement, unchanged base first): chr6-57196617-A-ACAAT. GRCh37 (hg19) VCF-style: chr6-57061415-A-ACAAT.
Other names: c.242-31ATTG[6] (NM_001278666.2, NM_001278667.2, NM_001278668.2 and 1 more transcripts).
Identifiers: ClinVar variation 357645 (VCV000357645.16), dbSNP rs45542438, ClinGen allele CA3873865.

ClinVar aggregate classification (germline): Benign/Likely benign. Review status: criteria provided, multiple submitters, no conflicts (2 of 4 stars). 3 submissions from 3 submitters: Benign (1); Likely benign (2). Last evaluated 2026-02-04.

Conditions:
Carpenter syndrome. Identifiers: Orphanet 65759, MedGen C1275078, MONDO:0019012.

Submissions (3):

Labcorp Genetics (formerly Invitae), Labcorp
Classification: Benign for Carpenter syndrome. Last evaluated: 2026-02-04. Review status: criteria provided, single submitter. Criteria: Invitae Variant Classification Sherloc (09022015). Collection method: clinical testing. Allele origin: germline.

Blueprint Genetics
Classification: Likely benign. Last evaluated: 2024-11-20. Review status: criteria provided, single submitter. Criteria: ACMG Guidelines, 2015. Collection method: clinical testing. Allele origin: germline.

GeneDx
Classification: Likely benign. Last evaluated: 2023-04-07. Review status: criteria provided, single submitter. Criteria: GeneDx Variant Classification Process June 2021. Collection method: clinical testing. Allele origin: germline. Affected: yes.
Comment: See Variant Classification Assertion Criteria.